The following is an entry in ClinVar:

ClinVar aggregate classification (germline): Conflicting classifications of pathogenicity. Review status: criteria provided, conflicting classifications (1 of 4 stars). 2 submissions from 2 submitters: Uncertain significance (1); Benign (1). Last evaluated 2024-08-08.

Conditions:
Congenital contractural arachnodactyly (CCA). Also called: BEALS SYNDROME; Beals-Hecht syndrome; Arthrogryposis, distal, type 9. Identifiers: Orphanet 115, MedGen C0220668, MONDO:0007363, OMIM 121050.
Familial thoracic aortic aneurysm and aortic dissection (TAAD). Also called: Thoracic aortic aneurysms and dissections. Identifiers: Orphanet 91387, MedGen C4707243, MONDO:0019625.

Allele frequency attached by ClinVar (database versions not stated): gnomAD exomes below 0.00001 and 0.00001; gnomAD 0.00001; TOPMed 0.00001.
gnomAD v4.1: 5 of 1,613,894 alleles (0.00031%); highest among the groups gnomAD compares: East Asian, 0.0022%; no homozygotes.

Submissions (2):

Labcorp Genetics (formerly Invitae), Labcorp
Classification: Benign for Congenital contractural arachnodactyly. Last evaluated: 2024-08-08. Review status: criteria provided, single submitter. Criteria: Invitae Variant Classification Sherloc (09022015). Collection method: clinical testing. Allele origin: germline.

Ambry Genetics
Classification: Uncertain significance for Familial thoracic aortic aneurysm and aortic dissection. Last evaluated: 2021-09-24. Review status: criteria provided, single submitter. Criteria: Ambry Variant Classification Scheme 2023. Collection method: clinical testing. Allele origin: germline.
Comment: The p.N2890D variant (also known as c.8668A>G), located in coding exon 65 of the FBN2 gene, results from an A to G substitution at nucleotide position 8668. The asparagine at codon 2890 is replaced by aspartic acid, an amino acid with highly similar properties. This amino acid position is well conserved in available vertebrate species. In addition, this alteration is predicted to be tolerated by in silico analysis. Since supporting evidence is limited at this time, the clinical significance of this alteration remains unclear.

NM_001999.4(FBN2):c.8668A>G (p.Asn2890Asp)

Gene: FBN2 (fibrillin 2; minus strand). Cytogenetic location: 5q23.3.
Variant type: single nucleotide variant.
Coding change: c.8668A>G on transcript NM_001999.4 (MANE Select); coding-DNA position 8668, A replaced by G.
Protein change: p.Asn2890Asp; replaces asparagine 2890 with aspartic acid.
Molecular consequence: missense variant.
Genome position (GRCh38, 1-based): chr5:128,259,526, T>C on the plus strand (A>G on the coding strand, the complement: FBN2 is on the minus strand). VCF-style: chr5-128259526-T-C. GRCh37 (hg19) VCF-style: chr5-127595218-T-C.
Other names: short protein forms N2890D.
Identifiers: ClinVar variation 576355 (VCV000576355.11), dbSNP rs888064842, ClinGen allele CA127001774.